The following is an entry in ClinVar:

ClinVar aggregate classification (germline): Likely pathogenic (1 of 4 stars; one submission).

Conditions:
Ceroid lipofuscinosis, neuronal, 6A. Also called: Neuronal ceroid lipofuscinosis, late infantile, variant; Neuronal ceroid lipofuscinosis, Gypsy/Indian early juvenile variant; Neuronal ceroid lipofuscinosis 6; CLN6-Related Neuronal Ceroid-Lipofuscinosis. Identifiers: Orphanet 168491, Orphanet 228363, MedGen C5551375, MONDO:0011144, OMIM 601780.

Submission:

Natera, Inc.
Classification: Likely pathogenic for Ceroid lipofuscinosis, neuronal, 6A. Last evaluated: 2024-08-06. Review status: criteria provided, single submitter. Criteria: Natera Variant Classification Schema (03/2026). Collection method: clinical testing. Allele origin: germline.
Comment: The c.516T>G variant in CLN6 is a nonsense variant predicted to introduce a stop codon at amino acid 172. This variant is expected to result in nonsense mediated decay, truncation, or a dysfunctional protein product. This variant is rare in the general population with a frequency below the threshold expected for the associated phenotype(s). Given the available evidence, this variant is classified as Likely Pathogenic.

NM_017882.3(CLN6):c.516T>G (p.Tyr172Ter)

Gene: CLN6 (CLN6 transmembrane ER protein; minus strand). Cytogenetic location: 15q23.
Variant type: single nucleotide variant.
Coding change: c.516T>G on transcript NM_017882.3 (MANE Select); coding-DNA position 516, T replaced by G.
Protein change: p.Tyr172Ter; replaces tyrosine 172 with a stop codon.
Molecular consequence: nonsense.
Genome position (GRCh38, 1-based): chr15:68,211,289, A>C on the plus strand (T>G on the coding strand, the complement: CLN6 is on the minus strand). VCF-style: chr15-68211289-A-C. GRCh37 (hg19) VCF-style: chr15-68503627-A-C.
Other names: c.612T>G, p.Tyr204Ter (NM_001411068.1); short protein forms Y172*, Y204*.
Identifiers: ClinVar variation 4815916 (VCV004815916.1).
Genomic context (GRCh38, chr15:68,211,289, plus strand): 5'-GCCCCTGGGATAGACAGATGGGCCCATCACTCACCACATGCAGTGACCCAGGTACTCATC[A>C]TAATAGTAGAGCAGCTCAAAGGAGTCGATCTGAGGGAGGAACGGGCAGGGCAGAGTCGGG-3'